The following is an entry in ClinVar:

ClinVar aggregate classification (germline): Uncertain significance (1 of 4 stars; one submission).

Submission:

Labcorp Genetics (formerly Invitae), Labcorp
Classification: Uncertain significance. Last evaluated: 2023-05-05. Review status: criteria provided, single submitter. Criteria: Invitae Variant Classification Sherloc (09022015). Collection method: clinical testing. Allele origin: germline.
Comment: In summary, the available evidence is currently insufficient to determine the role of this variant in disease. Therefore, it has been classified as a Variant of Uncertain Significance. Variants that disrupt the consensus splice site are a relatively common cause of aberrant splicing (PMID: 17576681, 9536098). Algorithms developed to predict the effect of sequence changes on RNA splicing suggest that this variant may disrupt the consensus splice site. This variant has not been reported in the literature in individuals affected with USB1-related conditions. This variant is not present in population databases (gnomAD no frequency). This sequence change falls in intron 4 of the USB1 gene. It does not directly change the encoded amino acid sequence of the USB1 protein. It affects a nucleotide within the consensus splice site.

Literature cited by the submitters: PubMed 17576681; PubMed 9536098.

NM_024598.4(USB1):c.503+5dup

Gene: USB1 (U6 snRNA biogenesis phosphodiesterase 1; plus strand). Cytogenetic location: 16q21.
Variant type: Duplication.
Coding change: c.503+5dup on transcript NM_024598.4 (MANE Select); 5 bases into the intron after coding-DNA position 503, one base duplicated (G; older notation c.503+5dupG).
Molecular consequence: intron variant.
Genome position (GRCh38, 1-based): chr16:58,014,331, G duplicated; the last of 3 consecutive G bases (chr16:58,014,329-58,014,331); duplicating any one gives the same sequence. VCF-style (leftmost placement, unchanged base first): chr16-58014328-T-TG. GRCh37 (hg19) VCF-style: chr16-58048232-T-TG.
Other names: c.350+5dup (NM_001330568.2); c.450-3003dup (NM_001195302.2).
Identifiers: ClinVar variation 2862101 (VCV002862101.3), dbSNP rs2544732088, ClinGen allele CA2739266835.